The following is an entry in ClinVar:

NM_173354.5(SIK1):c.1193A>G (p.Gln398Arg)

Gene: SIK1 (salt inducible kinase 1; minus strand). Cytogenetic location: 21q22.3.
Variant type: single nucleotide variant.
Coding change: c.1193A>G on transcript NM_173354.5 (MANE Select); coding-DNA position 1193, A replaced by G.
Protein change: p.Gln398Arg; replaces glutamine 398 with arginine.
Molecular consequence: missense variant.
Genome position (GRCh38, 1-based): chr21:43,419,405, T>C on the plus strand (A>G on the coding strand, the complement: SIK1 is on the minus strand). VCF-style: chr21-43419405-T-C. GRCh37 (hg19) VCF-style: chr21-44839285-T-C.
Other names: short protein forms Q398R.
Identifiers: ClinVar variation 2985023 (VCV002985023.3), dbSNP rs2516966105, ClinGen allele CA410608537.

ClinVar aggregate classification (germline): Uncertain significance (1 of 4 stars; one submission).

Conditions:
Developmental and epileptic encephalopathy, 30 (DEE30). Also called: Epileptic encephalopathy, early infantile, 30. Identifiers: MedGen C4225360, MONDO:0014595, OMIM 616341.

Submission:

Labcorp Genetics (formerly Invitae), Labcorp
Classification: Uncertain significance for Developmental and epileptic encephalopathy, 30. Last evaluated: 2023-03-23. Review status: criteria provided, single submitter. Criteria: Invitae Variant Classification Sherloc (09022015). Collection method: clinical testing. Allele origin: germline.
Comment: This sequence change replaces glutamine, which is neutral and polar, with arginine, which is basic and polar, at codon 398 of the SIK1 protein (p.Gln398Arg). This variant is not present in population databases (gnomAD no frequency). This variant has not been reported in the literature in individuals affected with SIK1-related conditions. Advanced modeling of protein sequence and biophysical properties (such as structural, functional, and spatial information, amino acid conservation, physicochemical variation, residue mobility, and thermodynamic stability) performed at Invitae indicates that this missense variant is not expected to disrupt SIK1 protein function. In summary, the available evidence is currently insufficient to determine the role of this variant in disease. Therefore, it has been classified as a Variant of Uncertain Significance.